The following is an entry in ClinVar:

ClinVar aggregate classification (germline): Uncertain significance (1 of 4 stars; one submission).

Conditions:
Breast-ovarian cancer, familial, susceptibility to, 1 (BROVCA1). Also called: BRCA1 Hereditary Breast and Ovarian Cancer; OVARIAN CANCER, SUSCEPTIBILITY TO. Identifiers: Orphanet 145, MedGen C2676676, MONDO:0011450, OMIM 604370. Disease mechanism: loss of function.

gnomAD v4.1: 1 of 1,614,094 alleles (0.000062%); highest among the groups gnomAD compares: South Asian, 0.0011%; no homozygotes.

Submission:

Institute of Immunology and Genetics Kaiserslautern
Classification: Uncertain significance for Breast-ovarian cancer, familial, susceptibility to, 1. Last evaluated: 2025-07-30. Review status: criteria provided, single submitter. Criteria: ACMG Guidelines, 2015. Collection method: clinical testing. Allele origin: germline. Affected: no.
Comment: ACMG Criteria: PM2_P ; Variant was found in heterozygous state.

NM_000179.3(MSH6):c.3278G>A (p.Gly1093Glu)

Gene: MSH6 (mutS homolog 6; plus strand). Cytogenetic location: 2p16.3.
Variant type: single nucleotide variant.
Coding change: c.3278G>A on transcript NM_000179.3 (MANE Select); coding-DNA position 3278, G replaced by A.
Protein change: p.Gly1093Glu; replaces glycine 1093 with glutamic acid.
Molecular consequence: missense variant. On other transcripts: non-coding transcript variant (5), intron variant (1).
Genome position (GRCh38, 1-based): chr2:47,803,525, G>A. VCF-style: chr2-47803525-G-A. GRCh37 (hg19) VCF-style: chr2-48030664-G-A.
Other names: c.2981G>A, p.Gly994Glu (NM_001406821.1, NM_001406822.1, NM_001406824.1 and 10 more transcripts); c.2372G>A, p.Gly791Glu (NM_001406823.1, NM_001281493.2, NM_001281494.2 and 6 more transcripts); c.3110G>A, p.Gly1037Glu (NM_001406826.1); c.2888G>A, p.Gly963Glu (NM_001281492.2); c.3374G>A, p.Gly1125Glu (NM_001406795.1, NM_001406802.1); c.3278G>A, p.Gly1093Glu (NM_001406796.1, NM_001406800.1, NM_001406808.1 and 1 more transcripts); c.2753G>A, p.Gly918Glu (NM_001406799.1, NM_001406806.1, NM_001406807.1); c.2414G>A, p.Gly805Glu (NM_001406803.1); and 7 more; short protein forms G1037E, G1067E, G1093E, G1095E, G1125E, G20E, G408E, G42E.
Identifiers: ClinVar variation 4279058 (VCV004279058.1).